The following is an entry in ClinVar:

ClinVar aggregate classification (germline): Conflicting classifications of pathogenicity. Review status: criteria provided, conflicting classifications (1 of 4 stars). 3 submissions from 3 submitters: Uncertain significance (2); Likely benign (1). Last evaluated 2024-07-05.

Conditions:
FBXW7-related disorder. Also called: FBXW7-related disorders; FBXW7-related condition.

Submissions (3):

GeneDx
Classification: Likely benign. Last evaluated: 2024-07-05. Review status: criteria provided, single submitter. Criteria: GeneDx Variant Classification Process June 2021. Collection method: clinical testing. Allele origin: germline. Affected: yes.
Comment: See Variant Classification Assertion Criteria.

PreventionGenetics, part of Exact Sciences
Classification: Uncertain significance for FBXW7-related condition. Last evaluated: 2023-07-31. Review status: criteria provided, single submitter. Criteria: ACMG Guidelines, 2015. Collection method: clinical testing. Allele origin: germline.
Comment: The FBXW7 c.1002G>T variant is predicted to result in the amino acid substitution p.Leu334Phe. To our knowledge, this variant has not been reported in the literature or in a large population database, indicating this variant is rare. At this time, the clinical significance of this variant is uncertain due to the absence of conclusive functional and genetic evidence.

Women's Health and Genetics/Laboratory Corporation of America, LabCorp
Classification: Uncertain significance. Last evaluated: 2023-04-06. Review status: criteria provided, single submitter. Criteria: LabCorp Variant Classification Summary - May 2015. Collection method: clinical testing. Allele origin: germline.
Comment: Variant summary: FBXW7 c.1002G>T (p.Leu334Phe) results in a non-conservative amino acid change in the encoded protein sequence. Three of five in-silico tools predict a benign effect of the variant on protein function. The variant was absent in 250070 control chromosomes (gnomAD). The available data on variant occurrences in the general population are insufficient to allow any conclusion about variant significance. To our knowledge, no occurrence of c.1002G>T in individuals affected with Developmental Delay, Hypotonia, And Impaired Language and no experimental evidence demonstrating its impact on protein function have been reported. No clinical diagnostic laboratories have submitted clinical-significance assessments for this variant to ClinVar after 2014. Based on the evidence outlined above, the variant was classified as uncertain significance.

NM_001349798.2(FBXW7):c.1002G>T (p.Leu334Phe)

Gene: FBXW7 (F-box and WD repeat domain containing 7; minus strand). Cytogenetic location: 4q31.3.
Variant type: single nucleotide variant.
Coding change: c.1002G>T on transcript NM_001349798.2 (MANE Select); coding-DNA position 1002, G replaced by T.
Protein change: p.Leu334Phe; replaces leucine 334 with phenylalanine.
Molecular consequence: missense variant.
Genome position (GRCh38, 1-based): chr4:152,330,852, C>A on the plus strand (G>T on the coding strand, the complement: FBXW7 is on the minus strand). VCF-style: chr4-152330852-C-A. GRCh37 (hg19) VCF-style: chr4-153252004-C-A.
Other names: c.648G>T, p.Leu216Phe (NM_001013415.2); c.762G>T, p.Leu254Phe (NM_018315.5); c.1002G>T, p.Leu334Phe (NM_033632.3); short protein forms L216F, L254F, L334F.
Identifiers: ClinVar variation 2503844 (VCV002503844.3), dbSNP rs2126536419, ClinGen allele CA358619861.